The following is an entry in ClinVar:

ClinVar aggregate classification (germline): Uncertain significance. Review status: criteria provided, multiple submitters, no conflicts (2 of 4 stars). 2 submissions from 2 submitters: Uncertain significance (2). Last evaluated 2026-02-02.

Conditions:
Atrial fibrillation, familial, 18 (ATFB18). Identifiers: MedGen C4310636, MONDO:0015001, OMIM 617280.

Allele frequency attached by ClinVar (database versions not stated): ExAC 0.00002; gnomAD exomes 0.00002; ESP Exome Variant Server 0.00008; gnomAD 0.00010; TOPMed 0.00018.
gnomAD v4.1: 48 of 1,614,066 alleles (0.003%); highest among the groups gnomAD compares: African/African-American, 0.024%; no homozygotes.

Submissions (2):

Labcorp Genetics (formerly Invitae), Labcorp
Classification: Uncertain significance for Atrial fibrillation, familial, 18. Last evaluated: 2026-02-02. Review status: criteria provided, single submitter. Criteria: Invitae Variant Classification Sherloc (09022015). Collection method: clinical testing. Allele origin: germline.
Comment: This sequence change replaces valine, which is neutral and non-polar, with methionine, which is neutral and non-polar, at codon 136 of the MYL4 protein (p.Val136Met). This variant is present in population databases (rs375241929, gnomAD 0.02%). This variant has not been reported in the literature in individuals affected with MYL4-related conditions. ClinVar contains an entry for this variant (Variation ID: 542790). An algorithm developed to predict the effect of missense changes on protein structure and function (PolyPhen-2) suggests that this variant is likely to be disruptive. In summary, the available evidence is currently insufficient to determine the role of this variant in disease. Therefore, it has been classified as a Variant of Uncertain Significance.

Ambry Genetics
Classification: Uncertain significance. Last evaluated: 2025-09-26. Review status: criteria provided, single submitter. Criteria: Ambry Variant Classification Scheme 2023. Collection method: clinical testing. Allele origin: germline.

NM_002476.2(MYL4):c.406G>A (p.Val136Met)

Gene: MYL4 (myosin light chain 4; plus strand). Cytogenetic location: 17q21.32.
Variant type: single nucleotide variant.
Coding change: c.406G>A on transcript NM_002476.2 (MANE Select); coding-DNA position 406, G replaced by A.
Protein change: p.Val136Met; replaces valine 136 with methionine.
Molecular consequence: missense variant.
Genome position (GRCh38, 1-based): chr17:47,221,774, G>A. VCF-style: chr17-47221774-G-A. GRCh37 (hg19) VCF-style: chr17-45299140-G-A.
Other names: c.406G>A, p.Val136Met (NM_001002841.2); short protein forms V136M.
Identifiers: ClinVar variation 542790 (VCV000542790.9), dbSNP rs375241929, ClinGen allele CA8622737.